The following is an entry in ClinVar:

NM_024665.7(TBL1XR1):c.1046C>T (p.Thr349Met)

Genes: TBL1XR1 (TBL1X/Y related 1; minus strand), TBL1XR1-AS1 (TBL1XR1 antisense RNA 1; plus strand), LOC126806878 (CDK7 strongly-dependent group 2 enhancer GRCh37_chr3:176755168-176756367; plus strand). Cytogenetic location: 3q26.32.
Variant type: single nucleotide variant.
Coding change: c.1046C>T on transcript NM_024665.7 (MANE Select); coding-DNA position 1046, C replaced by T.
Protein change: p.Thr349Met; replaces threonine 349 with methionine.
Molecular consequence: missense variant.
Genome position (GRCh38, 1-based): chr3:177,038,314, G>A on the plus strand (C>T on the coding strand, the complement: TBL1XR1 is on the minus strand). VCF-style: chr3-177038314-G-A. GRCh37 (hg19) VCF-style: chr3-176756102-G-A.
Other names: c.1046C>T, p.Thr349Met (NM_001321193.3, NM_001321194.3, NM_001374327.1 and 2 more transcripts); c.785C>T, p.Thr262Met (NM_001321195.3, NM_001374330.1); short protein forms T262M, T349M.
Identifiers: ClinVar variation 2729164 (VCV002729164.3), dbSNP rs755938084, ClinGen allele CA355555191.
Genomic context (GRCh38, chr3:177,038,314, plus strand): 5'-TATTCTGAAACATTACTTGTTAATCATGACCACTTTAATGTGGAAAAAAGGTTTCTTACC[G>A]TATGTCCTTGGAATGTTTTAATAGGTCTGTCTTGTCCTAATTTACAGACATGAATGCACA-3'
Protein context (NP_078941.2, residues 339-359): DRPIKTFQGH[Thr349Met]NEVNAIKWDP

ClinVar aggregate classification (germline): Uncertain significance (1 of 4 stars; one submission).

Conditions:
Pierpont syndrome (PRPTS). Identifiers: Orphanet 487825, MedGen C1865644, MONDO:0011213, OMIM 602342.

Allele frequency attached by ClinVar (database versions not stated): gnomAD 0.00001; TOPMed 0.00001.
gnomAD v4.1: 4 of 1,595,522 alleles (0.00025%); highest among the groups gnomAD compares: African/African-American, 0.0013%; no homozygotes.

Submission:

Labcorp Genetics (formerly Invitae), Labcorp
Classification: Uncertain significance for Pierpont syndrome. Last evaluated: 2025-09-03. Review status: criteria provided, single submitter. Criteria: Invitae Variant Classification Sherloc (09022015). Collection method: clinical testing. Allele origin: germline.
Comment: This sequence change replaces threonine, which is neutral and polar, with methionine, which is neutral and non-polar, at codon 349 of the TBL1XR1 protein (p.Thr349Met). This variant is not present in population databases (gnomAD no frequency). This variant has not been reported in the literature in individuals affected with TBL1XR1-related conditions. ClinVar contains an entry for this variant (Variation ID: 2729164). An algorithm developed to predict the effect of missense changes on protein structure and function (PolyPhen-2) suggests that this variant is likely to be tolerated. In summary, the available evidence is currently insufficient to determine the role of this variant in disease. Therefore, it has been classified as a Variant of Uncertain Significance.